The following is an entry in ClinVar:

ClinVar aggregate classification (germline): Conflicting classifications of pathogenicity. Review status: criteria provided, conflicting classifications (1 of 4 stars). 5 submissions from 5 submitters: Uncertain significance (1); Benign (1); Likely benign (2). 1 of the submissions does not count toward it. Last evaluated 2026-03-01.

Conditions:
Acatalasia. Also called: CATALASE DEFICIENCY; ACATALASEMIA, HUNGARIAN TYPE. Identifiers: Orphanet 926, MedGen C0268419, MONDO:0013571, OMIM 614097.
CAT-related disorder. Also called: CAT-related condition.

Allele frequency attached by ClinVar (database versions not stated): ESP Exome Variant Server 0.00169; gnomAD 0.00169 and 0.00192; TOPMed 0.00173; 1000 Genomes Project 0.00240; 1000 Genomes Project 30x 0.00250; gnomAD exomes 0.00288; ExAC 0.00335.
gnomAD v4.1: 4,249 of 1,607,840 alleles (0.26%); highest among the groups gnomAD compares: South Asian, 1.1%; 20 homozygotes.

Submissions (21):

CeGaT Center for Human Genetics Tuebingen
Classification: Likely benign. Last evaluated: 2026-03-01. Review status: criteria provided, single submitter. Criteria: CeGaT Center For Human Genetics Tuebingen Variant Classification Criteria Version 2. Collection method: clinical testing. Allele origin: germline. Affected: yes. Observed: 2 variant alleles.
Comment: CAT: BS2

Blueprint Genetics
Classification: Likely benign. Last evaluated: 2024-11-27. Review status: criteria provided, single submitter. Criteria: ACMG Guidelines, 2015. Collection method: clinical testing. Allele origin: germline.

Labcorp Genetics (formerly Invitae), Labcorp
Classification: Benign. Last evaluated: 2019-12-31. Review status: criteria provided, single submitter. Criteria: Invitae Variant Classification Sherloc (09022015). Collection method: clinical testing. Allele origin: germline.

Broad Center for Mendelian Genomics, Broad Institute of MIT and Harvard
Classification: Uncertain significance for Acatalasia. Review status: criteria provided, single submitter. Criteria: ACMG Guidelines, 2015. Collection method: research. Allele origin: germline. Inheritance: Autosomal dominant inheritance. Affected: yes.
Comment: The heterozygous c.903+5G>T variant in CAT has been identified in 2 Hungarian relatives from 1 family with hypocatalasaemia (PMID: 11197178), and has been identified in >1% of South Asian chromosomes and 1 homozygote by ExAC. Please note that for diseases with clinical variability, or reduced penetrance, pathogenic variants may be present at a low frequency in the general population. In summary, the clinical significance of this variant is uncertain.

PreventionGenetics, part of Exact Sciences
Classification: Likely benign for CAT-related condition. Last evaluated: 2022-06-08. Review status: no assertion criteria provided. Collection method: clinical testing. Allele origin: germline. Not counted in ClinVar's aggregate classification.
Comment: This variant is classified as likely benign based on ACMG/AMP sequence variant interpretation guidelines (Richards et al. 2015 PMID: 25741868, with internal and published modifications).

Dr. Peter K. Rogan Lab, Western University
No classification provided (evidence only). Condition: Lung cancer. Review status: no classification provided. Collection method: in vitro. Allele origin: not applicable. Functional consequence: retained intron. Not counted in ClinVar's aggregate classification.

Dr. Peter K. Rogan Lab, Western University
No classification provided (evidence only). Condition: Familial cancer of breast. Review status: no classification provided. Collection method: in vitro. Allele origin: not applicable. Functional consequence: retained intron. Not counted in ClinVar's aggregate classification.

Dr. Peter K. Rogan Lab, Western University
No classification provided (evidence only). Condition: Familial cancer of breast. Review status: no classification provided. Collection method: in vitro. Allele origin: not applicable. Functional consequence: retained intron. Not counted in ClinVar's aggregate classification.

Dr. Peter K. Rogan Lab, Western University
No classification provided (evidence only). Condition: Familial cancer of breast. Review status: no classification provided. Collection method: in vitro. Allele origin: not applicable. Functional consequence: retained intron. Not counted in ClinVar's aggregate classification.

Dr. Peter K. Rogan Lab, Western University
No classification provided (evidence only). Condition: Colon adenocarcinoma. Review status: no classification provided. Collection method: in vitro. Allele origin: not applicable. Functional consequence: retained intron. Not counted in ClinVar's aggregate classification.

Dr. Peter K. Rogan Lab, Western University
No classification provided (evidence only). Condition: Colon adenocarcinoma. Review status: no classification provided. Collection method: in vitro. Allele origin: not applicable. Functional consequence: retained intron. Not counted in ClinVar's aggregate classification.

Dr. Peter K. Rogan Lab, Western University
No classification provided (evidence only). Condition: Uterine corpus endometrial carcinoma. Review status: no classification provided. Collection method: in vitro. Allele origin: not applicable. Functional consequence: retained intron. Not counted in ClinVar's aggregate classification.

Dr. Peter K. Rogan Lab, Western University
No classification provided (evidence only). Condition: Uterine corpus endometrial carcinoma. Review status: no classification provided. Collection method: in vitro. Allele origin: not applicable. Functional consequence: retained intron. Not counted in ClinVar's aggregate classification.

Dr. Peter K. Rogan Lab, Western University
No classification provided (evidence only). Condition: Sarcoma. Review status: no classification provided. Collection method: in vitro. Allele origin: not applicable. Functional consequence: retained intron. Not counted in ClinVar's aggregate classification.

Dr. Peter K. Rogan Lab, Western University
No classification provided (evidence only). Condition: Sarcoma. Review status: no classification provided. Collection method: in vitro. Allele origin: not applicable. Functional consequence: retained intron. Not counted in ClinVar's aggregate classification.

Dr. Peter K. Rogan Lab, Western University
No classification provided (evidence only). Condition: Sarcoma. Review status: no classification provided. Collection method: in vitro. Allele origin: not applicable. Functional consequence: retained intron. Not counted in ClinVar's aggregate classification.

Dr. Peter K. Rogan Lab, Western University
No classification provided (evidence only). Condition: Thymoma. Review status: no classification provided. Collection method: in vitro. Allele origin: not applicable. Functional consequence: retained intron. Not counted in ClinVar's aggregate classification.

Dr. Peter K. Rogan Lab, Western University
No classification provided (evidence only). Condition: Ovarian serous cystadenocarcinoma. Review status: no classification provided. Collection method: in vitro. Allele origin: not applicable. Functional consequence: retained intron. Not counted in ClinVar's aggregate classification.

Dr. Peter K. Rogan Lab, Western University
No classification provided (evidence only). Condition: Ovarian serous cystadenocarcinoma. Review status: no classification provided. Collection method: in vitro. Allele origin: not applicable. Functional consequence: retained intron. Not counted in ClinVar's aggregate classification.

Dr. Peter K. Rogan Lab, Western University
No classification provided (evidence only). Condition: Ovarian serous cystadenocarcinoma. Review status: no classification provided. Collection method: in vitro. Allele origin: not applicable. Functional consequence: retained intron. Not counted in ClinVar's aggregate classification.

Dr. Peter K. Rogan Lab, Western University
No classification provided (evidence only). Condition: Malignant tumor of esophagus. Review status: no classification provided. Collection method: in vitro. Allele origin: not applicable. Functional consequence: retained intron. Not counted in ClinVar's aggregate classification.

Literature cited by the submitters: PubMed 11197178 (cited by Broad Center for Mendelian Genomics, Broad Institute of MIT and Harvard).

NM_001752.4(CAT):c.903+5G>T

Gene: CAT (catalase; plus strand). Cytogenetic location: 11p13.
Variant type: single nucleotide variant.
Coding change: c.903+5G>T on transcript NM_001752.4 (MANE Select); 5 bases into the intron after coding-DNA position 903, G replaced by T.
Molecular consequence: intron variant.
Genome position (GRCh38, 1-based): chr11:34,456,207, G>T. VCF-style: chr11-34456207-G-T. GRCh37 (hg19) VCF-style: chr11-34477754-G-T.
Other names: NC_000011.9:g.34477754G>T.
Identifiers: ClinVar variation 773245 (VCV000773245.13), dbSNP rs147912187, ClinGen allele CA5944458.